The following is an entry in ClinVar:

ClinVar aggregate classification (germline): Uncertain significance (1 of 4 stars; one submission).

Submission:

GeneDx
Classification: Uncertain significance. Last evaluated: 2023-03-05. Review status: criteria provided, single submitter. Criteria: GeneDx Variant Classification Process June 2021. Collection method: clinical testing. Allele origin: germline. Affected: yes.
Comment: Not observed at significant frequency in large population cohorts (gnomAD); In silico analysis supports that this missense variant does not alter protein structure/function; Has not been previously published as pathogenic or benign to our knowledge

NM_001164508.2(NEB):c.9546G>T (p.Lys3182Asn)

Gene: NEB (nebulin; minus strand). Cytogenetic location: 2q23.3.
Variant type: single nucleotide variant.
Coding change: c.9546G>T on transcript NM_001164508.2 (MANE Select); coding-DNA position 9546, G replaced by T.
Protein change: p.Lys3182Asn; replaces lysine 3182 with asparagine.
Molecular consequence: missense variant. On other transcripts: intron variant (1).
Genome position (GRCh38, 1-based): chr2:151,631,215, C>A on the plus strand (G>T on the coding strand, the complement: NEB is on the minus strand). VCF-style: chr2-151631215-C-A. GRCh37 (hg19) VCF-style: chr2-152487729-C-A.
Other names: c.9546G>T, p.Lys3182Asn (NM_001164507.2, NM_001271208.2); c.8854-37G>T (NM_004543.5); short protein forms K3182N.
Identifiers: ClinVar variation 2579509 (VCV002579509.1), dbSNP rs2552238288, ClinGen allele CA348800041.
Genomic context (GRCh38, chr2:151,631,215, plus strand): 5'-GAGAGCATTGTTCTTGGCCAGCACCTGCTCTAGAGAATCAGTCACACTGGTAAATTTCAG[C>A]TTGTCCGGAGGCTGGCGGTAGATGTTATCACTCAGTATTTCGGTAGCTCTCTTGCACTTG-3'
Protein context (NP_001157980.2, residues 3172-3192): SDNIYRQPPD[Lys3182Asn]LKFTSVTDSL